The following is an entry in ClinVar:

NM_015650.4(TRAF3IP1):c.638G>C (p.Arg213Thr)

Gene: TRAF3IP1 (TRAF3 interacting protein 1; plus strand). Cytogenetic location: 2q37.3.
Variant type: single nucleotide variant.
Coding change: c.638G>C on transcript NM_015650.4 (MANE Select); coding-DNA position 638, G replaced by C.
Protein change: p.Arg213Thr; replaces arginine 213 with threonine.
Molecular consequence: missense variant.
Genome position (GRCh38, 1-based): chr2:238,329,065, G>C. VCF-style: chr2-238329065-G-C. GRCh37 (hg19) VCF-style: chr2-239237706-G-C.
Other names: c.638G>C, p.Arg213Thr (NM_001139490.1); short protein forms R213T.
Identifiers: ClinVar variation 943960 (VCV000943960.9), dbSNP rs776250451, ClinGen allele CA2198107.

ClinVar aggregate classification (germline): Uncertain significance. Review status: criteria provided, multiple submitters, no conflicts (2 of 4 stars). 2 submissions from 2 submitters: Uncertain significance (2). Last evaluated 2025-04-07.

Conditions:
Inborn genetic diseases. Identifiers: MedGen C0950123, MeSH D030342.

Allele frequency attached by ClinVar (database versions not stated): gnomAD below 0.00001 and 0.00002; gnomAD exomes 0.00001 and 0.00003; ExAC 0.00009.
gnomAD v4.1: 21 of 1,551,410 alleles (0.0014%); highest among the groups gnomAD compares: South Asian, 0.02%; no homozygotes.

Submissions (2):

Labcorp Genetics (formerly Invitae), Labcorp
Classification: Uncertain significance. Last evaluated: 2025-04-07. Review status: criteria provided, single submitter. Criteria: Invitae Variant Classification Sherloc (09022015). Collection method: clinical testing. Allele origin: germline.
Comment: This sequence change replaces arginine, which is basic and polar, with threonine, which is neutral and polar, at codon 213 of the TRAF3IP1 protein (p.Arg213Thr). This variant is present in population databases (rs776250451, gnomAD 0.02%). This variant has not been reported in the literature in individuals affected with TRAF3IP1-related conditions. ClinVar contains an entry for this variant (Variation ID: 943960). Invitae Evidence Modeling of protein sequence and biophysical properties (such as structural, functional, and spatial information, amino acid conservation, physicochemical variation, residue mobility, and thermodynamic stability) indicates that this missense variant is not expected to disrupt TRAF3IP1 protein function with a negative predictive value of 80%. In summary, the available evidence is currently insufficient to determine the role of this variant in disease. Therefore, it has been classified as a Variant of Uncertain Significance.

Ambry Genetics
Classification: Uncertain significance for Inborn genetic diseases. Last evaluated: 2023-05-23. Review status: criteria provided, single submitter. Criteria: Ambry Variant Classification Scheme 2023. Collection method: clinical testing. Allele origin: germline.